The following is an entry in ClinVar:

ClinVar aggregate classification (germline): Uncertain significance (1 of 4 stars; one submission).

Conditions:
Norman-Roberts syndrome (LIS2). Also called: Lissencephaly 2 (Norman-Roberts type). Identifiers: Orphanet 89844, MedGen C0796089, MONDO:0009760, OMIM 257320.
Familial temporal lobe epilepsy 7. Identifiers: Orphanet 101046, MedGen C4225327, MONDO:0014639, OMIM 616436.

Allele frequency attached by ClinVar (database versions not stated): TOPMed 0.00004; 1000 Genomes Project 30x 0.00016; 1000 Genomes Project 0.00020.
gnomAD v4.1: 63 of 1,614,182 alleles (0.0039%); highest among the groups gnomAD compares: Non-Finnish European, 0.0051%; 1 homozygote.

Submission:

Labcorp Genetics (formerly Invitae), Labcorp
Classification: Uncertain significance for Familial temporal lobe epilepsy 7; Norman-Roberts syndrome. Last evaluated: 2025-08-31. Review status: criteria provided, single submitter. Criteria: Invitae Variant Classification Sherloc (09022015). Collection method: clinical testing. Allele origin: germline.
Comment: This sequence change replaces aspartic acid, which is acidic and polar, with glutamic acid, which is acidic and polar, at codon 1479 of the RELN protein (p.Asp1479Glu). This variant is present in population databases (rs200920818, gnomAD 0.005%). This variant has not been reported in the literature in individuals affected with RELN-related conditions. ClinVar contains an entry for this variant (Variation ID: 1037138). Invitae Evidence Modeling of protein sequence and biophysical properties (such as structural, functional, and spatial information, amino acid conservation, physicochemical variation, residue mobility, and thermodynamic stability) indicates that this missense variant is not expected to disrupt RELN protein function with a negative predictive value of 80%. In summary, the available evidence is currently insufficient to determine the role of this variant in disease. Therefore, it has been classified as a Variant of Uncertain Significance.

NM_005045.4(RELN):c.4437T>A (p.Asp1479Glu)

Gene: RELN (reelin; minus strand). Cytogenetic location: 7q22.1.
Variant type: single nucleotide variant.
Coding change: c.4437T>A on transcript NM_005045.4 (MANE Select); coding-DNA position 4437, T replaced by A.
Protein change: p.Asp1479Glu; replaces aspartic acid 1479 with glutamic acid.
Molecular consequence: missense variant.
Genome position (GRCh38, 1-based): chr7:103,574,166, A>T on the plus strand (T>A on the coding strand, the complement: RELN is on the minus strand). VCF-style: chr7-103574166-A-T. GRCh37 (hg19) VCF-style: chr7-103214613-A-T.
Other names: c.4437T>A, p.Asp1479Glu (NM_173054.3); short protein forms D1479E.
Identifiers: ClinVar variation 1037138 (VCV001037138.9), dbSNP rs200920818, ClinGen allele CA4421522.
Genomic context (GRCh38, chr7:103,574,166, plus strand): 5'-GTCCAGAGGGACCGTCCGGGCTTCCCTTTTCCCAGGGCCATTGAAGTAGAGAGATTTGCC[A>T]TCGTTAAGTGTTCCACAGCCAGTTCCAACCTGGGCACCTGTTATCTTGTACCACAGAGGG-3'
Protein context (NP_005036.2, residues 1469-1489): QVGTGCGTLN[Asp1479Glu]GKSLYFNGPG